The following is an entry in ClinVar:

NM_020922.5(WNK3):c.5223G>T (p.Gln1741His)

Gene: WNK3 (WNK lysine deficient protein kinase 3; minus strand). Cytogenetic location: Xp11.22.
Variant type: single nucleotide variant.
Coding change: c.5223G>T on transcript NM_020922.5 (MANE Select); coding-DNA position 5223, G replaced by T.
Protein change: p.Gln1741His; replaces glutamine 1741 with histidine.
Molecular consequence: missense variant.
Genome position (GRCh38, 1-based): chrX:54,198,504, C>A on the plus strand (G>T on the coding strand, the complement: WNK3 is on the minus strand). VCF-style: chrX-54198504-C-A. GRCh37 (hg19) VCF-style: chrX-54224937-C-A.
Other names: c.5052G>T, p.Gln1684His (NM_001002838.4, NM_001395166.1); short protein forms Q1684H, Q1741H.
Identifiers: ClinVar variation 4076707 (VCV004076707.1).

ClinVar aggregate classification (germline): Uncertain significance (1 of 4 stars; one submission).

Submission:

GeneDx
Classification: Uncertain significance. Last evaluated: 2025-02-14. Review status: criteria provided, single submitter. Criteria: GeneDx Variant Classification Process June 2021. Collection method: clinical testing. Allele origin: germline. Affected: yes.
Comment: Not observed at significant frequency in large population cohorts (gnomAD); In silico analysis indicates that this missense variant does not alter protein structure/function; Has not been previously published as pathogenic or benign to our knowledge